The following is an entry in ClinVar:

ClinVar aggregate classification (germline): Uncertain significance (1 of 4 stars; one submission).

Allele frequency attached by ClinVar (database versions not stated): gnomAD exomes below 0.00001; ExAC 0.00001; gnomAD 0.00001; TOPMed 0.00002.
gnomAD v4.1: 3 of 1,601,956 alleles (0.00019%); highest among the groups gnomAD compares: Middle Eastern, 0.017%; no homozygotes.

Submission:

Mayo Clinic Laboratories, Mayo Clinic
Classification: Uncertain significance. Last evaluated: 2022-02-25. Review status: criteria provided, single submitter. Criteria: ACMG Guidelines, 2015. Collection method: clinical testing. Allele origin: germline. Observed: 1 variant allele.
Comment: BP4, PM2

NM_024306.5(FA2H):c.613+5T>C

Gene: FA2H (fatty acid 2-hydroxylase; minus strand). Cytogenetic location: 16q23.1.
Variant type: single nucleotide variant.
Coding change: c.613+5T>C on transcript NM_024306.5 (MANE Select); 5 bases into the intron after coding-DNA position 613, T replaced by C.
Molecular consequence: intron variant.
Genome position (GRCh38, 1-based): chr16:74,726,220, A>G on the plus strand (T>C on the coding strand, the complement: FA2H is on the minus strand). VCF-style: chr16-74726220-A-G. GRCh37 (hg19) VCF-style: chr16-74760118-A-G.
Identifiers: ClinVar variation 2683375 (VCV002683375.1), dbSNP rs780492478, ClinGen allele CA8170475.